The following is an entry in ClinVar:

NM_012470.4(TNPO3):c.1958G>A (p.Arg653Gln)

Gene: TNPO3 (transportin 3; minus strand). Cytogenetic location: 7q32.1.
Variant type: single nucleotide variant.
Coding change: c.1958G>A on transcript NM_012470.4 (MANE Select); coding-DNA position 1958, G replaced by A.
Protein change: p.Arg653Gln; replaces arginine 653 with glutamine.
Molecular consequence: missense variant. On other transcripts: non-coding transcript variant (14), intron variant (1).
Genome position (GRCh38, 1-based): chr7:128,979,086, C>T on the plus strand (G>A on the coding strand, the complement: TNPO3 is on the minus strand). VCF-style: chr7-128979086-C-T. GRCh37 (hg19) VCF-style: chr7-128619140-C-T.
Other names: c.1766G>A, p.Arg589Gln (NM_001191028.3, NM_001382223.1); c.2060G>A, p.Arg687Gln (NM_001382216.1); c.2039G>A, p.Arg680Gln (NM_001382217.1); c.1958G>A, p.Arg653Gln (NM_001382218.1); c.1850G>A, p.Arg617Gln (NM_001382219.1); c.1814G>A, p.Arg605Gln (NM_001382221.1); c.1811G>A, p.Arg604Gln (NM_001382222.1); c.1920+885G>A (NM_001382220.1); short protein forms R605Q, R604Q, R653Q, R680Q, R687Q, R589Q, R617Q.
Identifiers: ClinVar variation 1489471 (VCV001489471.8), dbSNP rs766916784, ClinGen allele CA4478012.

ClinVar aggregate classification (germline): Uncertain significance (1 of 4 stars; one submission).

Conditions:
Autosomal dominant limb-girdle muscular dystrophy type 1F (LGMDD2). Also called: Limb-girdle muscular dystrophy, type 1F; MUSCULAR DYSTROPHY, LIMB-GIRDLE, AUTOSOMAL DOMINANT 2. Identifiers: Orphanet 55595, MedGen C1842062, MONDO:0012034, OMIM 608423.

Allele frequency attached by ClinVar (database versions not stated): TOPMed below 0.00001; gnomAD 0.00001; gnomAD exomes 0.00001; ExAC 0.00002.
gnomAD v4.1: 34 of 1,614,038 alleles (0.0021%); highest among the groups gnomAD compares: Non-Finnish European, 0.0027%; no homozygotes.

Submission:

Labcorp Genetics (formerly Invitae), Labcorp
Classification: Uncertain significance for Autosomal dominant limb-girdle muscular dystrophy type 1F. Last evaluated: 2025-10-09. Review status: criteria provided, single submitter. Criteria: Invitae Variant Classification Sherloc (09022015). Collection method: clinical testing. Allele origin: germline.
Comment: This sequence change replaces arginine, which is basic and polar, with glutamine, which is neutral and polar, at codon 653 of the TNPO3 protein (p.Arg653Gln). The frequency data for this variant in the population databases is considered unreliable, as metrics indicate poor data quality at this position in the gnomAD database. This variant has not been reported in the literature in individuals affected with TNPO3-related conditions. ClinVar contains an entry for this variant (Variation ID: 1489471). Invitae Evidence Modeling of protein sequence and biophysical properties (such as structural, functional, and spatial information, amino acid conservation, physicochemical variation, residue mobility, and thermodynamic stability) indicates that this missense variant is not expected to disrupt TNPO3 protein function with a negative predictive value of 80%. In summary, the available evidence is currently insufficient to determine the role of this variant in disease. Therefore, it has been classified as a Variant of Uncertain Significance.